The following is an entry in ClinVar:

ClinVar aggregate classification (germline): Uncertain significance (1 of 4 stars; one submission).

Submission:

Labcorp Genetics (formerly Invitae), Labcorp
Classification: Uncertain significance. Last evaluated: 2021-10-19. Review status: criteria provided, single submitter. Criteria: Invitae Variant Classification Sherloc (09022015). Collection method: clinical testing. Allele origin: germline.
Comment: This variant has not been reported in the literature in individuals affected with RUSC2-related conditions. This variant is not present in population databases (ExAC no frequency). This sequence change replaces glycine with aspartic acid at codon 874 of the RUSC2 protein (p.Gly874Asp). The glycine residue is moderately conserved and there is a moderate physicochemical difference between glycine and aspartic acid. Algorithms developed to predict the effect of missense changes on protein structure and function are either unavailable or do not agree on the potential impact of this missense change (SIFT: "Tolerated"; PolyPhen-2: "Probably Damaging"; Align-GVGD: "Class C0"). In summary, the available evidence is currently insufficient to determine the role of this variant in disease. Therefore, it has been classified as a Variant of Uncertain Significance.

NM_014806.5(RUSC2):c.2621G>A (p.Gly874Asp)

Gene: RUSC2 (RUN and SH3 domain containing 2; plus strand). Cytogenetic location: 9p13.3.
Variant type: single nucleotide variant.
Coding change: c.2621G>A on transcript NM_014806.5 (MANE Select); coding-DNA position 2621, G replaced by A.
Protein change: p.Gly874Asp; replaces glycine 874 with aspartic acid.
Molecular consequence: missense variant. On other transcripts: 5 prime UTR variant (1), non-coding transcript variant (1).
Genome position (GRCh38, 1-based): chr9:35,555,666, G>A. VCF-style: chr9-35555666-G-A. GRCh37 (hg19) VCF-style: chr9-35555663-G-A.
Other names: c.2621G>A, p.Gly874Asp (NM_001135999.2); c.-14G>A (NM_001330740.2); short protein forms G874D.
Identifiers: ClinVar variation 1479183 (VCV001479183.6), dbSNP rs941594093, ClinGen allele CA373342924.